The following is an entry in ClinVar:

NM_014991.6(WDFY3):c.515G>C (p.Gly172Ala)

Gene: WDFY3 (WD repeat and FYVE domain containing 3; minus strand). Cytogenetic location: 4q21.23.
Variant type: single nucleotide variant.
Coding change: c.515G>C on transcript NM_014991.6 (MANE Select); coding-DNA position 515, G replaced by C.
Protein change: p.Gly172Ala; replaces glycine 172 with alanine.
Molecular consequence: missense variant.
Genome position (GRCh38, 1-based): chr4:84,836,990, C>G on the plus strand (G>C on the coding strand, the complement: WDFY3 is on the minus strand). VCF-style: chr4-84836990-C-G. GRCh37 (hg19) VCF-style: chr4-85758143-C-G.
Other names: short protein forms G172A.
Identifiers: ClinVar variation 3600699 (VCV003600699.2).

ClinVar aggregate classification (germline): Uncertain significance (1 of 4 stars; one submission).

gnomAD v4.1: 1 of 1,601,102 alleles (0.000062%); highest among the groups gnomAD compares: African/African-American, 0.0013%; no homozygotes.

Submission:

GeneDx
Classification: Uncertain significance. Last evaluated: 2025-12-08. Review status: criteria provided, single submitter. Criteria: GeneDx Variant Classification Process June 2021. Collection method: clinical testing. Allele origin: germline. Affected: yes.
Comment: Not observed at significant frequency in large population cohorts (gnomAD); In silico analysis suggests that this missense variant does not alter protein structure/function; Has not been previously published as pathogenic or benign to our knowledge